The following is an entry in ClinVar:

ClinVar aggregate classification (germline): Uncertain significance (1 of 4 stars; one submission).

Conditions:
Hereditary cancer-predisposing syndrome. Also called: Neoplastic Syndromes, Hereditary; Tumor predisposition; Hereditary Cancer Syndrome; Hereditary neoplastic syndrome. Identifiers: Orphanet 140162, MedGen C0027672, MeSH D009386, MONDO:0015356.

Submission:

Ambry Genetics
Classification: Uncertain significance for Hereditary cancer-predisposing syndrome. Last evaluated: 2022-05-30. Review status: criteria provided, single submitter. Criteria: Ambry Variant Classification Scheme 2023. Collection method: clinical testing. Allele origin: germline.
Comment: The p.P266S variant (also known as c.796C>T), located in coding exon 6 of the CHEK2 gene, results from a C to T substitution at nucleotide position 796. The proline at codon 266 is replaced by serine, an amino acid with similar properties. This amino acid position is well conserved in available vertebrate species. In addition, this alteration is predicted to be tolerated by in silico analysis. Since supporting evidence is limited at this time, the clinical significance of this alteration remains unclear.

NM_007194.4(CHEK2):c.796C>T (p.Pro266Ser)

Gene: CHEK2 (checkpoint kinase 2; minus strand). Cytogenetic location: 22q12.1.
Variant type: single nucleotide variant.
Coding change: c.796C>T on transcript NM_007194.4 (MANE Select); coding-DNA position 796, C replaced by T.
Protein change: p.Pro266Ser; replaces proline 266 with serine.
Molecular consequence: missense variant.
Genome position (GRCh38, 1-based): chr22:28,710,056, G>A on the plus strand (C>T on the coding strand, the complement: CHEK2 is on the minus strand). VCF-style: chr22-28710056-G-A. GRCh37 (hg19) VCF-style: chr22-29106044-G-A.
Other names: c.925C>T, p.Pro309Ser (NM_001005735.3); c.133C>T, p.Pro45Ser (NM_001257387.3); c.595C>T, p.Pro199Ser (NM_001349956.3); c.796C>T, p.Pro266Ser (NM_145862.3); short protein forms P199S, P45S, P309S, P266S.
Identifiers: ClinVar variation 1761423 (VCV001761423.2), dbSNP rs1601777776, ClinGen allele CA411102502.